The following is an entry in ClinVar:

ClinVar aggregate classification (germline): Uncertain significance (1 of 4 stars; one submission).

Submission:

GeneDx
Classification: Uncertain significance. Last evaluated: 2025-05-09. Review status: criteria provided, single submitter. Criteria: GeneDx Variant Classification Process June 2021. Collection method: clinical testing. Allele origin: germline. Affected: yes.
Comment: Not observed at significant frequency in large population cohorts (gnomAD); In silico analysis suggests that this missense variant does not alter protein structure/function; Has not been previously published as pathogenic or benign to our knowledge

NM_016333.4(SRRM2):c.517C>T (p.Leu173Phe)

Genes: SRRM2 (serine/arginine repetitive matrix 2; plus strand), LOC126862261 (BRD4-independent group 4 enhancer GRCh37_chr16:2807529-2808728; plus strand). Cytogenetic location: 16p13.3.
Variant type: single nucleotide variant.
Coding change: c.517C>T on transcript NM_016333.4 (MANE Select); coding-DNA position 517, C replaced by T.
Protein change: p.Leu173Phe; replaces leucine 173 with phenylalanine.
Molecular consequence: missense variant.
Genome position (GRCh38, 1-based): chr16:2,758,471, C>T. VCF-style: chr16-2758471-C-T. GRCh37 (hg19) VCF-style: chr16-2808472-C-T.
Other names: short protein forms L173F.
Identifiers: ClinVar variation 4528144 (VCV004528144.1).